The following is an entry in ClinVar:

NM_139162.4(MIEF2):c.687G>A (p.Gln229=)

Gene: MIEF2 (mitochondrial elongation factor 2; plus strand). Cytogenetic location: 17p11.2.
Variant type: single nucleotide variant.
Coding change: c.687G>A on transcript NM_139162.4 (MANE Select); coding-DNA position 687, G replaced by A.
Protein change: p.Gln229=; no amino-acid change (glutamine 229 retained).
Molecular consequence: synonymous variant. On other transcripts: missense variant (1).
Genome position (GRCh38, 1-based): chr17:18,264,086, G>A. VCF-style: chr17-18264086-G-A. GRCh37 (hg19) VCF-style: chr17-18167400-G-A.
Other names: c.613G>A, p.Ala205Thr (NM_001144900.3); c.720G>A, p.Gln240= (NM_148886.2); short protein forms A205T.
Identifiers: ClinVar variation 2498697 (VCV002498697.28), dbSNP rs202127880, ClinGen allele CA8429272.

ClinVar aggregate classification (germline): Likely benign (1 of 4 stars; one submission).

Allele frequency attached by ClinVar (database versions not stated): 1000 Genomes Project 0.00260; ESP Exome Variant Server 0.00283; TOPMed 0.00325; 1000 Genomes Project 30x 0.00344; gnomAD 0.00514; ExAC 0.00847.

Submission:

CeGaT Center for Human Genetics Tuebingen
Classification: Likely benign. Last evaluated: 2025-11-01. Review status: criteria provided, single submitter. Criteria: CeGaT Center For Human Genetics Tuebingen Variant Classification Criteria Version 2. Collection method: clinical testing. Allele origin: germline. Affected: yes. Observed: 9 variant alleles.
Comment: MIEF2: BP4, BS2